The following is an entry in ClinVar:

NM_017636.4(TRPM4):c.1695G>A (p.Trp565Ter)

Gene: TRPM4 (transient receptor potential cation channel subfamily M member 4; plus strand). Cytogenetic location: 19q13.33.
Variant type: single nucleotide variant.
Coding change: c.1695G>A on transcript NM_017636.4 (MANE Select); coding-DNA position 1695, G replaced by A.
Protein change: p.Trp565Ter; replaces tryptophan 565 with a stop codon.
Molecular consequence: nonsense.
Genome position (GRCh38, 1-based): chr19:49,183,164, G>A. VCF-style: chr19-49183164-G-A. GRCh37 (hg19) VCF-style: chr19-49686421-G-A.
Other names: c.1695G>A, p.Trp565Ter (NM_001195227.2); c.1350G>A, p.Trp450Ter (NM_001321281.2); c.87G>A, p.Trp29Ter (NM_001321282.2); c.1173G>A, p.Trp391Ter (NM_001321283.2); c.633G>A, p.Trp211Ter (NM_001321285.2); short protein forms W450*, W211*, W29*, W391*, W565*.
Identifiers: ClinVar variation 2999996 (VCV002999996.3), dbSNP rs1968063969, ClinGen allele CA406800579.

ClinVar aggregate classification (germline): Uncertain significance (1 of 4 stars; one submission).

Conditions:
Progressive familial heart block type IB (PFHB1B). Identifiers: Orphanet 871, MedGen C1970298, MONDO:0011474, OMIM 604559.

Submission:

Labcorp Genetics (formerly Invitae), Labcorp
Classification: Uncertain significance for Progressive familial heart block type IB. Last evaluated: 2023-11-27. Review status: criteria provided, single submitter. Criteria: Invitae Variant Classification Sherloc (09022015). Collection method: clinical testing. Allele origin: germline.
Comment: This sequence change creates a premature translational stop signal (p.Trp565*) in the TRPM4 gene. It is expected to result in an absent or disrupted protein product. However, the current clinical and genetic evidence is not sufficient to establish whether loss-of-function variants in TRPM4 cause disease. This variant is not present in population databases (gnomAD no frequency). This variant has not been reported in the literature in individuals affected with TRPM4-related conditions. In summary, the available evidence is currently insufficient to determine the role of this variant in disease. Therefore, it has been classified as a Variant of Uncertain Significance.